The following is an entry in ClinVar:

ClinVar aggregate classification (germline): Likely benign. Review status: criteria provided, single submitter (1 of 4 stars). 2 submissions from 2 submitters: Likely benign (1). 1 of the submissions does not count toward it. Last evaluated 2025-06-02.

Conditions:
NTRK2-related disorder. Also called: NTRK2-related condition.

Allele frequency attached by ClinVar (database versions not stated): gnomAD exomes below 0.00001; ExAC 0.00002; gnomAD 0.00003; TOPMed 0.00004; ESP Exome Variant Server 0.00008.
gnomAD v4.1: 10 of 1,609,246 alleles (0.00062%); highest among the groups gnomAD compares: African/African-American, 0.0027%; no homozygotes.

Submissions (2):

Labcorp Genetics (formerly Invitae), Labcorp
Classification: Likely benign. Last evaluated: 2025-06-02. Review status: criteria provided, single submitter. Criteria: Invitae Variant Classification Sherloc (09022015). Collection method: clinical testing. Allele origin: germline.

PreventionGenetics, part of Exact Sciences
Classification: Likely benign for NTRK2-related condition. Last evaluated: 2023-02-24. Review status: no assertion criteria provided. Collection method: clinical testing. Allele origin: germline. Not counted in ClinVar's aggregate classification.
Comment: This variant is classified as likely benign based on ACMG/AMP sequence variant interpretation guidelines (Richards et al. 2015 PMID: 25741868, with internal and published modifications).

NM_006180.6(NTRK2):c.172T>C (p.Leu58=)

Gene: NTRK2 (neurotrophic receptor tyrosine kinase 2; plus strand). Cytogenetic location: 9q21.33.
Variant type: single nucleotide variant.
Coding change: c.172T>C on transcript NM_006180.6 (MANE Select); coding-DNA position 172, T replaced by C.
Protein change: p.Leu58=; no amino-acid change (leucine 58 retained).
Molecular consequence: synonymous variant.
Genome position (GRCh38, 1-based): chr9:84,670,920, T>C. VCF-style: chr9-84670920-T-C. GRCh37 (hg19) VCF-style: chr9-87285835-T-C.
Other names: c.172T>C, p.Leu58= (NM_001007097.3, NM_001018064.3, NM_001018065.2 and 19 more transcripts); c.172T>C (NM_006180.4).
Identifiers: ClinVar variation 1918458 (VCV001918458.7), dbSNP rs138465789, ClinGen allele CA5105417.